The following is an entry in ClinVar:

ClinVar aggregate classification (germline): Uncertain significance (1 of 4 stars; one submission).

Conditions:
Ullrich congenital muscular dystrophy 2 (UCMD2). Identifiers: Orphanet 75840, MedGen C4225314, MONDO:0014654, OMIM 616470.
Bethlem myopathy 2 (BTHLM2). Identifiers: Orphanet 536516, Orphanet 610, MedGen C4225313, MONDO:0034022, OMIM 616471.

gnomAD v4.1: 1 of 1,614,206 alleles (0.000062%); highest among the groups gnomAD compares: South Asian, 0.0011%; no homozygotes.

Submission:

Labcorp Genetics (formerly Invitae), Labcorp
Classification: Uncertain significance for Bethlem myopathy 2; Ullrich congenital muscular dystrophy 2. Last evaluated: 2024-06-10. Review status: criteria provided, single submitter. Criteria: Invitae Variant Classification Sherloc (09022015). Collection method: clinical testing. Allele origin: germline.
Comment: This sequence change replaces serine, which is neutral and polar, with proline, which is neutral and non-polar, at codon 828 of the COL12A1 protein (p.Ser828Pro). This variant is not present in population databases (gnomAD no frequency). This variant has not been reported in the literature in individuals affected with COL12A1-related conditions. Advanced modeling of protein sequence and biophysical properties (such as structural, functional, and spatial information, amino acid conservation, physicochemical variation, residue mobility, and thermodynamic stability) performed at Invitae indicates that this missense variant is expected to disrupt COL12A1 protein function with a positive predictive value of 80%. In summary, the available evidence is currently insufficient to determine the role of this variant in disease. Therefore, it has been classified as a Variant of Uncertain Significance.

NM_004370.6(COL12A1):c.2482T>C (p.Ser828Pro)

Gene: COL12A1 (collagen type XII alpha 1 chain; minus strand). Cytogenetic location: 6q13.
Variant type: single nucleotide variant.
Coding change: c.2482T>C on transcript NM_004370.6 (MANE Select); coding-DNA position 2482, T replaced by C.
Protein change: p.Ser828Pro; replaces serine 828 with proline.
Molecular consequence: missense variant. On other transcripts: intron variant (3).
Genome position (GRCh38, 1-based): chr6:75,175,266, A>G on the plus strand (T>C on the coding strand, the complement: COL12A1 is on the minus strand). VCF-style: chr6-75175266-A-G. GRCh37 (hg19) VCF-style: chr6-75884982-A-G.
Other names: c.2482T>C, p.Ser828Pro (NM_001424113.1, NM_001424114.1); c.74-22784T>C (NM_001424116.1, NM_080645.3); c.2437+2397T>C (NM_001424115.1); short protein forms S828P.
Identifiers: ClinVar variation 3758047 (VCV003758047.2).